The following is an entry in ClinVar:

NM_018834.6(MATR3):c.647G>A (p.Arg216Lys)

Gene: MATR3 (matrin 3; plus strand). Cytogenetic location: 5q31.2.
Variant type: single nucleotide variant.
Coding change: c.647G>A on transcript NM_018834.6 (MANE Select); coding-DNA position 647, G replaced by A.
Protein change: p.Arg216Lys; replaces arginine 216 with lysine.
Molecular consequence: missense variant. On other transcripts: intron variant (11).
Genome position (GRCh38, 1-based): chr5:139,308,062, G>A. VCF-style: chr5-139308062-G-A. GRCh37 (hg19) VCF-style: chr5-138643751-G-A.
Other names: c.647G>A, p.Arg216Lys (NM_001194954.2, NM_001194955.2, NM_001400441.1 and 16 more transcripts); c.52-6613G>A (NM_001400459.1); c.-102-6613G>A (NM_001400463.1, NM_001400460.1, NM_001282278.2 and 3 more transcripts); c.-40-7635G>A (NM_001400462.1, NM_001400467.1); c.13-6613G>A (NM_001400461.1); c.49-6613G>A (NM_001194956.2); short protein forms R216K.
Identifiers: ClinVar variation 4742809 (VCV004742809.1).

ClinVar aggregate classification (germline): Uncertain significance (1 of 4 stars; one submission).

Conditions:
Amyotrophic lateral sclerosis type 21. Also called: MYOPATHY, DISTAL, 2; VOCAL CORD AND PHARYNGEAL DYSFUNCTION WITH DISTAL MYOPATHY. Identifiers: Orphanet 600, Orphanet 803, MedGen C3807521, MONDO:0011632, OMIM 606070.

gnomAD v4.1: 2 of 1,614,162 alleles (0.00012%); highest among the groups gnomAD compares: South Asian, 0.0022%; no homozygotes.

Submission:

Labcorp Genetics (formerly Invitae), Labcorp
Classification: Uncertain significance for Amyotrophic lateral sclerosis type 21. Last evaluated: 2025-08-20. Review status: criteria provided, single submitter. Criteria: Invitae Variant Classification Sherloc (09022015). Collection method: clinical testing. Allele origin: germline.
Comment: This sequence change replaces arginine, which is basic and polar, with lysine, which is basic and polar, at codon 216 of the MATR3 protein (p.Arg216Lys). This variant is present in population databases (rs759801664, gnomAD 0.003%). This variant has not been reported in the literature in individuals affected with MATR3-related conditions. Invitae Evidence Modeling of protein sequence and biophysical properties (such as structural, functional, and spatial information, amino acid conservation, physicochemical variation, residue mobility, and thermodynamic stability) indicates that this missense variant is expected to disrupt MATR3 protein function with a positive predictive value of 80%. In summary, the available evidence is currently insufficient to determine the role of this variant in disease. Therefore, it has been classified as a Variant of Uncertain Significance.